The following is an entry in ClinVar:

ClinVar aggregate classification (germline): Uncertain significance (1 of 4 stars; one submission).

Conditions:
Cardiovascular phenotype. Identifiers: MedGen CN230736.

Submission:

Ambry Genetics
Classification: Uncertain significance for Cardiovascular phenotype. Last evaluated: 2025-05-02. Review status: criteria provided, single submitter. Criteria: Ambry Variant Classification Scheme 2023. Collection method: clinical testing. Allele origin: germline.
Comment: The c.3076+1_3076+19dup19 variant results from a duplication of 19 nucleotides between positions c.3076+1 and 3076+19 and involves the canonical splice donor site after coding exon 37 of the CACNA2D1 gene. In silico splice site analysis predicts that this alteration will result in the creation or strengthening of a novel splice donor site; however, the exact impact of this duplication on CACNA2D1 splicing and function is currently unknown. The canonical splice donor site is highly conserved in available vertebrate species. Alterations that disrupt the canonical splice site are expected to cause aberrant splicing, resulting in an abnormal protein or a transcript that is subject to nonsense-mediated mRNA decay. However, loss of function of CACNA2D1 has not been established as a mechanism of disease. The evidence for this gene-disease relationship is limited; therefore, the clinical significance of this alteration is unclear.

NM_000722.4(CACNA2D1):c.3076+1_3076+19dup

Gene: CACNA2D1 (calcium voltage-gated channel auxiliary subunit alpha2delta 1; minus strand). Cytogenetic location: 7q21.11.
Variant type: Duplication.
Coding change: c.3076+1_3076+19dup on transcript NM_000722.4 (MANE Select); the canonical splice donor site of the intron after coding-DNA position 3076 through 19 bases into the intron after coding-DNA position 3076, 19 bases duplicated (GTATCCTTTGACATCAGAG).
Molecular consequence: splice donor variant.
Genome position (GRCh38, 1-based): chr7:81,959,701-81,959,719, CTCTGATGTCAAAGGATAC duplicated on the plus strand (GTATCCTTTGACATCAGAG on the coding strand, the reverse complement: CACNA2D1 is on the minus strand). VCF-style (leftmost placement, unchanged base first): chr7-81959700-G-GCTCTGATGTCAAAGGATAC. GRCh37 (hg19) VCF-style: chr7-81589016-G-GCTCTGATGTCAAAGGATAC.
Other names: c.3112+1_3112+19dup (NM_001366867.1).
Identifiers: ClinVar variation 3994523 (VCV003994523.1).